The following is an entry in ClinVar:

NM_001329943.3(KIAA0586):c.2936C>T (p.Ser979Phe)

Gene: KIAA0586 (KIAA0586; plus strand). Cytogenetic location: 14q23.1.
Variant type: single nucleotide variant.
Coding change: c.2936C>T on transcript NM_001329943.3 (MANE Select); coding-DNA position 2936, C replaced by T.
Protein change: p.Ser979Phe; replaces serine 979 with phenylalanine.
Molecular consequence: missense variant.
Genome position (GRCh38, 1-based): chr14:58,477,233, C>T. VCF-style: chr14-58477233-C-T. GRCh37 (hg19) VCF-style: chr14-58943951-C-T.
Other names: c.2936C>T, p.Ser979Phe (NM_001329947.2, NM_001329944.2, NM_001329946.2); c.2681C>T, p.Ser894Phe (NM_001364700.1, NM_001364701.2, NM_001244191.2 and 1 more transcripts); c.2708C>T, p.Ser903Phe (NM_014749.5); c.3095C>T, p.Ser1032Phe (NM_001244189.2); c.2891C>T, p.Ser964Phe (NM_001244190.2); c.2804C>T, p.Ser935Phe (NM_001244192.2); c.2516C>T, p.Ser839Phe (NM_001244193.2); short protein forms S1032F, S839F, S894F, S903F, S935F, S964F, S979F.
Identifiers: ClinVar variation 1717379 (VCV001717379.5), dbSNP rs2041709015, ClinGen allele CA389879093.
Genomic context (GRCh38, chr14:58,477,233, plus strand): 5'-AGCAACAGATTGCACCTAGTATCAGTGTTTCAGTCAGTGAGACAAGTGAACCACTGACTT[C>T]TGACATTGGTAAGTGAAATAGAATTTTTTTTTGTTTTTATTAAAAGACAAAAGCTTTAGT-3'
Protein context (NP_001316872.1, residues 969-989): SVSETSEPLT[Ser979Phe]DIVEGTSSGA

ClinVar aggregate classification (germline): Uncertain significance (1 of 4 stars; one submission).

Conditions:
Joubert syndrome 23 (JBTS23). Identifiers: Orphanet 475, MedGen C4084822, MONDO:0014664, OMIM 616490.
Short-rib thoracic dysplasia 14 with polydactyly (SRTD14). Identifiers: Orphanet 397715, MedGen C4225286, MONDO:0014688, OMIM 616546.

Submission:

Labcorp Genetics (formerly Invitae), Labcorp
Classification: Uncertain significance for Joubert syndrome 23; Short-rib thoracic dysplasia 14 with polydactyly. Last evaluated: 2024-04-05. Review status: criteria provided, single submitter. Criteria: Invitae Variant Classification Sherloc (09022015). Collection method: clinical testing. Allele origin: germline.
Comment: This sequence change replaces serine, which is neutral and polar, with phenylalanine, which is neutral and non-polar, at codon 1032 of the KIAA0586 protein (p.Ser1032Phe). This variant is not present in population databases (gnomAD no frequency). This variant has not been reported in the literature in individuals affected with KIAA0586-related conditions. ClinVar contains an entry for this variant (Variation ID: 1717379). Advanced modeling of protein sequence and biophysical properties (such as structural, functional, and spatial information, amino acid conservation, physicochemical variation, residue mobility, and thermodynamic stability) performed at Invitae indicates that this missense variant is expected to disrupt KIAA0586 protein function with a positive predictive value of 80%. In summary, the available evidence is currently insufficient to determine the role of this variant in disease. Therefore, it has been classified as a Variant of Uncertain Significance.